The following is an entry in ClinVar:

NM_198282.4(STING1):c.284G>A (p.Arg95His)

Genes: STING1 (stimulator of interferon response cGAMP interactor 1; minus strand), LOC123522803 (Sharpr-MPRA regulatory region 11914; plus strand). Cytogenetic location: 5q31.2.
Variant type: single nucleotide variant.
Coding change: c.284G>A on transcript NM_198282.4 (MANE Select); coding-DNA position 284, G replaced by A.
Protein change: p.Arg95His; replaces arginine 95 with histidine.
Molecular consequence: missense variant. On other transcripts: 5 prime UTR variant (1).
Genome position (GRCh38, 1-based): chr5:139,481,286, C>T on the plus strand (G>A on the coding strand, the complement: STING1 is on the minus strand). VCF-style: chr5-139481286-C-T. GRCh37 (hg19) VCF-style: chr5-138860871-C-T.
Other names: c.284G>A, p.Arg95His (NM_001301738.2); c.-74G>A (NM_001367258.1); short protein forms R95H.
Identifiers: ClinVar variation 1694180 (VCV001694180.10), dbSNP rs1033930953, ClinGen allele CA128748258.

ClinVar aggregate classification (germline): Uncertain significance. Review status: criteria provided, multiple submitters, no conflicts (2 of 4 stars). 2 submissions from 2 submitters: Uncertain significance (2). Last evaluated 2025-02-02.

Conditions:
Autoinflammatory syndrome. Identifiers: Orphanet 93665, MedGen C3890737, MONDO:0019751.
STING-associated vasculopathy with onset in infancy. Also called: Sting-associated vasculopathy, infantile-onset. Identifiers: Orphanet 425120, MedGen C4014722, MONDO:0014405, OMIM 615934.

Allele frequency attached by ClinVar (database versions not stated): gnomAD exomes 0.00002; gnomAD 0.00006 and 0.00005.

Submissions (2):

Labcorp Genetics (formerly Invitae), Labcorp
Classification: Uncertain significance for STING-associated vasculopathy with onset in infancy. Last evaluated: 2025-02-02. Review status: criteria provided, single submitter. Criteria: Invitae Variant Classification Sherloc (09022015). Collection method: clinical testing. Allele origin: germline.
Comment: This sequence change replaces arginine, which is basic and polar, with histidine, which is basic and polar, at codon 95 of the TMEM173 protein (p.Arg95His). This variant is present in population databases (no rsID available, gnomAD 0.004%). This variant has not been reported in the literature in individuals affected with TMEM173-related conditions. ClinVar contains an entry for this variant (Variation ID: 1694180). Invitae Evidence Modeling of protein sequence and biophysical properties (such as structural, functional, and spatial information, amino acid conservation, physicochemical variation, residue mobility, and thermodynamic stability) indicates that this missense variant is not expected to disrupt TMEM173 protein function with a negative predictive value of 80%. In summary, the available evidence is currently insufficient to determine the role of this variant in disease. Therefore, it has been classified as a Variant of Uncertain Significance.

Genome Diagnostics Laboratory, The Hospital for Sick Children
Classification: Uncertain significance for Autoinflammatory syndrome. Last evaluated: 2017-10-02. Review status: criteria provided, single submitter. Criteria: ACMG Guidelines, 2015. Collection method: clinical testing. Allele origin: germline. Affected: yes.